The following is an entry in ClinVar:

ClinVar aggregate classification (germline): Uncertain significance (1 of 4 stars; one submission).

Allele frequency attached by ClinVar (database versions not stated): gnomAD 0.00001.
gnomAD v4.1: 1 of 1,613,214 alleles (0.000062%); highest among the groups gnomAD compares: African/African-American, 0.0013%; no homozygotes.

Submission:

Labcorp Genetics (formerly Invitae), Labcorp
Classification: Uncertain significance. Last evaluated: 2022-07-25. Review status: criteria provided, single submitter. Criteria: Invitae Variant Classification Sherloc (09022015). Collection method: clinical testing. Allele origin: germline.
Comment: In summary, the available evidence is currently insufficient to determine the role of this variant in disease. Therefore, it has been classified as a Variant of Uncertain Significance. This sequence change replaces arginine, which is basic and polar, with glycine, which is neutral and non-polar, at codon 234 of the PUS1 protein (p.Arg234Gly). This variant is not present in population databases (gnomAD no frequency). This variant has not been reported in the literature in individuals affected with PUS1-related conditions. Algorithms developed to predict the effect of missense changes on protein structure and function output the following: SIFT: "Tolerated"; PolyPhen-2: "Benign"; Align-GVGD: "Class C0". The glycine amino acid residue is found in multiple mammalian species, which suggests that this missense change does not adversely affect protein function.

NM_025215.6(PUS1):c.700A>G (p.Arg234Gly)

Gene: PUS1 (pseudouridine synthase 1; plus strand). Cytogenetic location: 12q24.33.
Variant type: single nucleotide variant.
Coding change: c.700A>G on transcript NM_025215.6 (MANE Select); coding-DNA position 700, A replaced by G.
Protein change: p.Arg234Gly; replaces arginine 234 with glycine.
Molecular consequence: missense variant.
Genome position (GRCh38, 1-based): chr12:131,941,447, A>G. VCF-style: chr12-131941447-A-G. GRCh37 (hg19) VCF-style: chr12-132425992-A-G.
Other names: c.616A>G, p.Arg206Gly (NM_001002019.3, NM_001002020.3); short protein forms R206G, R234G.
Identifiers: ClinVar variation 1720728 (VCV001720728.5), dbSNP rs1023565853, ClinGen allele CA387298990.